The following is an entry in ClinVar:

ClinVar aggregate classification (germline): Conflicting classifications of pathogenicity. Review status: criteria provided, conflicting classifications (1 of 4 stars). 3 submissions from 3 submitters: Pathogenic (1); Uncertain significance (2). Last evaluated 2025-11-19.

Conditions:
Cardiomyopathy (CMYO). Also called: Cardiomyopathies. Identifiers: Orphanet 167848, MedGen C0878544, MONDO:0004994, HP:0001638. Inheritance: Various modes of inheritance.
Hypertrophic cardiomyopathy. Also called: HYPERTROPHIC MYOCARDIOPATHY. Identifiers: Orphanet 217569, MedGen C0007194, MeSH D002312, MONDO:0005045, HP:0001639.

Submissions (3):

Color Diagnostics, LLC DBA Color Health
Classification: Uncertain significance for Cardiomyopathy. Last evaluated: 2025-11-19. Review status: criteria provided, single submitter. Criteria: ACMG Guidelines, 2015. Collection method: clinical testing. Allele origin: germline.
Comment: This variant deletes a single lysine amino acid at codon 1748 of the MYH7 protein. To our knowledge, functional studies have not been reported for this variant. This variant has not been reported in individuals affected with cardiomyopathy in the literature. However this variant has been observed in patients with MYH7-related distal myopathies without cardiovascular involvement, and is considered clinically significant for these conditions (ClinVar Variant ID: 181414SCV001208900). This variant has been observed to segregate with Laing distal myopathy in one family (PMID: 22521714) and found de novo in an individual diagnosed with myosin storage myopathy and scoliosis (PMID: 21723124). This variant has been identified in 2/1614244 chromosomes in the general population by the Genome Aggregation Database (gnomAD). The available evidence is insufficient to determine the role of this variant in cardiomyopathy conclusively. Therefore, this variant is classified as a Variant of Uncertain Significance.

Labcorp Genetics (formerly Invitae), Labcorp
Classification: Pathogenic for Hypertrophic cardiomyopathy. Last evaluated: 2025-08-23. Review status: criteria provided, single submitter. Criteria: Invitae Variant Classification Sherloc (09022015). Collection method: clinical testing. Allele origin: germline.
Comment: This variant, c.5352_5354del, results in the deletion of 1 amino acid(s) of the MYH7 protein (p.Lys1784del), but otherwise preserves the integrity of the reading frame. This variant is not present in population databases (gnomAD no frequency). This variant has been observed in individual(s) with clinical features of myopathy (PMID: 21723124, 22521714). In at least one individual the variant was observed to be de novo. It has also been observed to segregate with disease in related individuals. ClinVar contains an entry for this variant (Variation ID: 181414). Experimental studies and prediction algorithms are not available or were not evaluated, and the functional significance of this variant is currently unknown. For these reasons, this variant has been classified as Pathogenic.

GeneDx
Classification: Uncertain significance for Cardiomyopathy. Last evaluated: 2011-10-26. Review status: criteria provided, single submitter. Criteria: GeneDx Variant Classification (06012015). Collection method: clinical testing. Allele origin: germline. Affected: yes.
Comment: This variant is denoted c.5352_5354delGAA at the cDNA level or at the protein level as p.Lys1784del. The normal sequence with the bases that are deleted in braces is: AGAA{GAA}CATG. The c.5352_5354delGAA variant in the MYH7 gene has not been published previously as a disease-causing mutation or as a benign polymorphism, to our knowledge. The c.5352_5354delGAA variant eliminates a well conserved Lysine residue at position 1784 of myosin-7 (Lys1784del). Although in-frame deletions are commonly reported as disease-causing mutations in the MYH7 gene (7), there have been none reported in codons surrounding amino acid residue 1784. With the clinical and molecular information available at this time, the clinical significance of c.5352_54delGAA in the MYH7 gene is unknown. The variant is found in DCM panel(s).

Literature cited by the submitters: PubMed 21723124 (cited by Color Diagnostics, LLC DBA Color Health and Labcorp Genetics (formerly Invitae), Labcorp); PubMed 22521714 (cited by Color Diagnostics, LLC DBA Color Health and Labcorp Genetics (formerly Invitae), Labcorp).

NM_000257.4(MYH7):c.5346GAA[2] (p.Lys1784del)

Gene: MYH7 (myosin heavy chain 7; minus strand). Cytogenetic location: 14q11.2.
Variant type: Microsatellite.
Coding change: c.5346GAA[2] on transcript NM_000257.4 (MANE Select); two copies in a row of the 3-base unit GAA starting at c.5346; the reference has three copies in a row; one copy, 3 bases deleted; also written c.5352_5354del.
Protein change: p.Lys1784del; deletes lysine 1784.
Molecular consequence: inframe deletion.
Genome position (GRCh38, 1-based): chr14:23,415,200-23,415,202, TTC deleted on the plus strand (GAA on the coding strand, the reverse complement: MYH7 is on the minus strand); deleting any 3 consecutive bases within chr14:23,415,200-23,415,208 gives the same sequence; the position shown is the placement nearest the transcript's 3' end. VCF-style (leftmost placement, unchanged base first): chr14-23415199-GTTC-G. GRCh37 (hg19) VCF-style: chr14-23884408-GTTC-G.
Other names: c.5352_5354del (NM_000257.4); short protein forms K1784del.
Identifiers: ClinVar variation 181414 (VCV000181414.10), dbSNP rs730880935, ClinGen allele CA016003.